The following is an entry in ClinVar:

NM_000222.3(KIT):c.2708T>C (p.Met903Thr)

Gene: KIT (KIT proto-oncogene, receptor tyrosine kinase; plus strand). Cytogenetic location: 4q12.
Variant type: single nucleotide variant.
Coding change: c.2708T>C on transcript NM_000222.3 (MANE Select); coding-DNA position 2708, T replaced by C.
Protein change: p.Met903Thr; replaces methionine 903 with threonine.
Molecular consequence: missense variant.
Genome position (GRCh38, 1-based): chr4:54,737,186, T>C. VCF-style: chr4-54737186-T-C. GRCh37 (hg19) VCF-style: chr4-55603352-T-C.
Other names: c.2696T>C, p.Met899Thr (NM_001093772.2, NM_001385292.1); c.2711T>C, p.Met904Thr (NM_001385284.1); c.2705T>C, p.Met902Thr (NM_001385285.1); c.2693T>C, p.Met898Thr (NM_001385286.1); c.2699T>C, p.Met900Thr (NM_001385288.1); c.2708T>C, p.Met903Thr (NM_001385290.1); short protein forms M903T, M899T, M898T, M900T, M902T, M904T.
Identifiers: ClinVar variation 848455 (VCV000848455.11), dbSNP rs1722968117, ClinGen allele CA356914217.

ClinVar aggregate classification (germline): Uncertain significance. Review status: criteria provided, multiple submitters, no conflicts (2 of 4 stars). 2 submissions from 2 submitters: Uncertain significance (2). Last evaluated 2026-06-17.

Conditions:
Hereditary cancer-predisposing syndrome. Also called: Tumor predisposition; Hereditary neoplastic syndrome; Neoplastic Syndromes, Hereditary; Hereditary Cancer Syndrome. Identifiers: Orphanet 140162, MedGen C0027672, MeSH D009386, MONDO:0015356.
Gastrointestinal stromal tumor. Also called: Gastrointestinal stroma tumor; Gastrointestinal stromal tumor, somatic. Identifiers: Orphanet 44890, MedGen C0238198, MeSH D046152, MONDO:0011719, OMIM 606764, HP:0100723.

Allele frequency attached by ClinVar (database versions not stated): gnomAD exomes below 0.00001.
gnomAD v4.1: 1 of 1,611,960 alleles (0.000062%); highest among the groups gnomAD compares: Non-Finnish European, 0.000085%; no homozygotes.

Submissions (2):

Ambry Genetics
Classification: Uncertain significance for Hereditary cancer-predisposing syndrome. Last evaluated: 2026-06-17. Review status: criteria provided, single submitter. Criteria: Ambry Variant Classification Scheme 2023. Collection method: clinical testing. Allele origin: germline.

Labcorp Genetics (formerly Invitae), Labcorp
Classification: Uncertain significance for Gastrointestinal stromal tumor. Last evaluated: 2024-04-14. Review status: criteria provided, single submitter. Criteria: Invitae Variant Classification Sherloc (09022015). Collection method: clinical testing. Allele origin: germline.
Comment: This sequence change replaces methionine, which is neutral and non-polar, with threonine, which is neutral and polar, at codon 903 of the KIT protein (p.Met903Thr). This variant is not present in population databases (gnomAD no frequency). This variant has not been reported in the literature in individuals affected with KIT-related conditions. ClinVar contains an entry for this variant (Variation ID: 848455). An algorithm developed to predict the effect of missense changes on protein structure and function (PolyPhen-2) suggests that this variant is likely to be disruptive. In summary, the available evidence is currently insufficient to determine the role of this variant in disease. Therefore, it has been classified as a Variant of Uncertain Significance.